The following is an entry in ClinVar:

ClinVar aggregate classification (germline): Benign/Likely benign. Review status: criteria provided, multiple submitters, no conflicts (2 of 4 stars). 7 submissions from 7 submitters: Benign (4); Likely benign (1). 2 of the submissions do not count toward it. Last evaluated 2026-01-20.

Conditions:
Retinal dystrophy. Also called: Inherited retinal dystrophy. Identifiers: Orphanet 71862, MedGen C0854723, MeSH D058499, MONDO:0019118, HP:0000556.
Retinitis pigmentosa (RP). Identifiers: Orphanet 791, MedGen C0035334, MeSH D012174, MONDO:0019200, OMIM 268000. Inheritance: Autosomal dominant, autosomal recessive and X linked inheritance.
Retinitis pigmentosa 33 (RP33). Identifiers: Orphanet 791, MedGen C1835895, MONDO:0012477, OMIM 610359.

Allele frequency attached by ClinVar (database versions not stated): gnomAD 0.00042 and 0.00095; TOPMed 0.00055; gnomAD exomes 0.00253; 1000 Genomes Project 0.00439; ExAC 0.00305; 1000 Genomes Project 30x 0.00468; ESP Exome Variant Server 0.00015.
gnomAD v4.1: 2,203 of 1,613,986 alleles (0.14%); highest among the groups gnomAD compares: South Asian, 1.7%; 35 homozygotes.

Submissions (7):

Labcorp Genetics (formerly Invitae), Labcorp
Classification: Benign. Last evaluated: 2026-01-20. Review status: criteria provided, single submitter. Criteria: Invitae Variant Classification Sherloc (09022015). Collection method: clinical testing. Allele origin: germline.

Dept Of Ophthalmology, Nagoya University
Classification: Benign for Retinal dystrophy. Last evaluated: 2023-10-01. Review status: criteria provided, single submitter. Criteria: Submitter's publication. Collection method: research. Allele origin: germline. Affected: yes.

ARUP Laboratories, Molecular Genetics and Genomics, ARUP Laboratories
Classification: Likely benign for Retinitis pigmentosa 33. Last evaluated: 2018-07-09. Review status: criteria provided, single submitter. Criteria: ARUP Molecular Germline Variant Investigation Process. Collection method: clinical testing. Allele origin: germline.

Illumina Laboratory Services, Illumina
Classification: Benign for Retinitis pigmentosa. Last evaluated: 2018-01-13. Review status: criteria provided, single submitter. Criteria: ICSL Variant Classification Criteria 13 December 2019. Collection method: clinical testing. Allele origin: germline.
Comment: This variant was observed in the ICSL laboratory as part of a predisposition screen in an ostensibly healthy population. It had not been previously curated by ICSL or reported in the Human Gene Mutation Database (HGMD: prior to June 1st, 2018), and was therefore a candidate for classification through an automated scoring system. Utilizing variant allele frequency, disease prevalence and penetrance estimates, and inheritance mode, an automated score was calculated to assess if this variant is too frequent to cause the disease. Based on the score and internal cut-off values, a variant classified as benign is not then subjected to further curation. The score for this variant resulted in a classification of benign for this disease.

Eurofins Ntd Llc (ga)
Classification: Benign. Last evaluated: 2017-11-30. Review status: criteria provided, single submitter. Criteria: EGL Classification Definitions 2015. Collection method: clinical testing. Allele origin: germline. Observed: 2 variant alleles, 2 heterozygotes.

Clinical Genetics DNA and cytogenetics Diagnostics Lab, Erasmus MC, Erasmus Medical Center
Classification: Benign. Review status: no assertion criteria provided. Collection method: clinical testing. Allele origin: germline. Affected: yes. Study: VKGL Data-share Consensus. Not counted in ClinVar's aggregate classification.

Clinical Genetics, Academic Medical Center
Classification: Benign. Review status: no assertion criteria provided. Collection method: clinical testing. Allele origin: germline. Affected: yes. Study: VKGL Data-share Consensus. Not counted in ClinVar's aggregate classification.

NM_014014.5(SNRNP200):c.2800A>G (p.Thr934Ala)

Gene: SNRNP200 (small nuclear ribonucleoprotein U5 subunit 200; minus strand). Cytogenetic location: 2q11.2.
Variant type: single nucleotide variant.
Coding change: c.2800A>G on transcript NM_014014.5 (MANE Select); coding-DNA position 2800, A replaced by G.
Protein change: p.Thr934Ala; replaces threonine 934 with alanine.
Molecular consequence: missense variant.
Genome position (GRCh38, 1-based): chr2:96,289,939, T>C on the plus strand (A>G on the coding strand, the complement: SNRNP200 is on the minus strand). VCF-style: chr2-96289939-T-C. GRCh37 (hg19) VCF-style: chr2-96955677-T-C.
Other names: short protein forms T934A.
Identifiers: ClinVar variation 167714 (VCV000167714.27), dbSNP rs149616320, ClinGen allele CA234975.